The following is an entry in ClinVar:

ClinVar aggregate classification (germline): Uncertain significance (1 of 4 stars; one submission).

Allele frequency attached by ClinVar (database versions not stated): gnomAD exomes below 0.00001; ExAC 0.00001; gnomAD 0.00001; TOPMed 0.00001.
gnomAD v4.1: 2 of 1,613,852 alleles (0.00012%); highest among the groups gnomAD compares: African/African-American, 0.0013%; no homozygotes.

Submission:

Labcorp Genetics (formerly Invitae), Labcorp
Classification: Uncertain significance. Last evaluated: 2019-07-29. Review status: criteria provided, single submitter. Criteria: Invitae Variant Classification Sherloc (09022015). Collection method: clinical testing. Allele origin: germline.
Comment: In summary, the available evidence is currently insufficient to determine the role of this variant in disease. Therefore, it has been classified as a Variant of Uncertain Significance. Algorithms developed to predict the effect of missense changes on protein structure and function output the following: SIFT: "Deleterious"; PolyPhen-2: "Not Available"; Align-GVGD: "Class C65". The serine amino acid residue is found in multiple mammalian species, suggesting that this missense change does not adversely affect protein function. These predictions have not been confirmed by published functional studies and their clinical significance is uncertain. This variant has not been reported in the literature in individuals with RGR-related conditions. This variant is present in population databases (rs758081686, ExAC 0.01%). This sequence change replaces tyrosine with serine at codon 196 of the RGR protein (p.Tyr196Ser). The tyrosine residue is highly conserved and there is a large physicochemical difference between tyrosine and serine.

NM_001012720.2(RGR):c.587A>C (p.Tyr196Ser)

Gene: RGR (retinal G protein coupled receptor; plus strand). Cytogenetic location: 10q23.1.
Variant type: single nucleotide variant.
Coding change: c.587A>C on transcript NM_001012720.2 (MANE Select); coding-DNA position 587, A replaced by C.
Protein change: p.Tyr196Ser; replaces tyrosine 196 with serine.
Molecular consequence: missense variant.
Genome position (GRCh38, 1-based): chr10:84,254,400, A>C. VCF-style: chr10-84254400-A-C. GRCh37 (hg19) VCF-style: chr10-86014156-A-C.
Other names: c.587A>C, p.Tyr196Ser (NM_001012722.2); c.599A>C, p.Tyr200Ser (NM_002921.4); short protein forms Y200S, Y196S.
Identifiers: ClinVar variation 961921 (VCV000961921.9), dbSNP rs758081686, ClinGen allele CA5581499.